The following is an entry in ClinVar:

ClinVar aggregate classification (germline): Uncertain significance (1 of 4 stars; one submission).

Conditions:
Hereditary cancer-predisposing syndrome. Also called: Neoplastic Syndromes, Hereditary; Tumor predisposition; Hereditary neoplastic syndrome; Hereditary Cancer Syndrome. Identifiers: Orphanet 140162, MedGen C0027672, MeSH D009386, MONDO:0015356.

Submission:

Ambry Genetics
Classification: Uncertain significance for Hereditary cancer-predisposing syndrome. Last evaluated: 2024-01-31. Review status: criteria provided, single submitter. Criteria: Ambry Variant Classification Scheme 2023. Collection method: clinical testing. Allele origin: germline.
Comment: The p.S147Y variant (also known as c.440C>A), located in coding exon 4 of the POT1 gene, results from a C to A substitution at nucleotide position 440. The serine at codon 147 is replaced by tyrosine, an amino acid with dissimilar properties. This amino acid position is conserved. In addition, this alteration is predicted to be tolerated by in silico analysis. Based on the available evidence, the clinical significance of this alteration remains unclear.

NM_015450.3(POT1):c.440C>A (p.Ser147Tyr)

Gene: POT1 (protection of telomeres 1; minus strand). Cytogenetic location: 7q31.33.
Variant type: single nucleotide variant.
Coding change: c.440C>A on transcript NM_015450.3 (MANE Select); coding-DNA position 440, C replaced by A.
Protein change: p.Ser147Tyr; replaces serine 147 with tyrosine.
Molecular consequence: missense variant. On other transcripts: non-coding transcript variant (3).
Genome position (GRCh38, 1-based): chr7:124,863,456, G>T on the plus strand (C>A on the coding strand, the complement: POT1 is on the minus strand). VCF-style: chr7-124863456-G-T. GRCh37 (hg19) VCF-style: chr7-124503510-G-T.
Other names: c.47C>A, p.Ser16Tyr (NM_001042594.2); short protein forms S147Y, S16Y.
Identifiers: ClinVar variation 3226679 (VCV003226679.1), dbSNP rs2485480111, ClinGen allele CA369059282.